The following is an entry in ClinVar:

NM_000169.3(GLA):c.635A>G (p.Gln212Arg)

Genes: GLA (galactosidase alpha; minus strand), RPL36A-HNRNPH2 (RPL36A-HNRNPH2 readthrough; plus strand). Cytogenetic location: Xq22.1.
Variant type: single nucleotide variant.
Coding change: c.635A>G on transcript NM_000169.3 (MANE Select); coding-DNA position 635, A replaced by G.
Protein change: p.Gln212Arg; replaces glutamine 212 with arginine.
Molecular consequence: missense variant. On other transcripts: non-coding transcript variant (2), intron variant (2).
Genome position (GRCh38, 1-based): chrX:101,400,670, T>C on the plus strand (A>G on the coding strand, the complement: GLA is on the minus strand). VCF-style: chrX-101400670-T-C. GRCh37 (hg19) VCF-style: chrX-100655658-T-C.
Other names: c.758A>G, p.Gln253Arg (NM_001406747.1); c.635A>G, p.Gln212Arg (NM_001406748.1); c.300+5213T>C (NM_001199973.2); c.177+8848T>C (NM_001199974.2); short protein forms Q212R, Q253R.
Identifiers: ClinVar variation 939718 (VCV000939718.13), dbSNP rs1372233359, ClinGen allele CA413927093.

ClinVar aggregate classification (germline): Uncertain significance. Review status: criteria provided, multiple submitters, no conflicts (2 of 4 stars). 3 submissions from 3 submitters: Uncertain significance (2). 1 of the submissions does not count toward it. Last evaluated 2021-11-15.

Conditions:
Fabry disease. Also called: Fabry's disease; ANDERSON-FABRY DISEASE; CERAMIDE TRIHEXOSIDASE DEFICIENCY; Angiokeratoma corporis diffusum; GLA DEFICIENCY; HEREDITARY DYSTOPIC LIPIDOSIS. Identifiers: Orphanet 324, MedGen C0002986, MONDO:0010526, OMIM 301500, HP:0001071. Disease mechanism: loss of function, Fabry disease is due to inactivating mutations in the X-linked GLA gene resulting in deficiency of the enzyme Alpha Galactosidase-A..

Allele frequency attached by ClinVar (database versions not stated): gnomAD exomes 0.00001 and 0.00003; gnomAD 0.00009 and 0.00010; TOPMed 0.00010.

Submissions (3):

Blueprint Genetics
Classification: Uncertain significance. Last evaluated: 2021-11-15. Review status: criteria provided, single submitter. Criteria: ACMG Guidelines, 2015. Collection method: clinical testing. Allele origin: germline.

Labcorp Genetics (formerly Invitae), Labcorp
Classification: Uncertain significance for Fabry disease. Last evaluated: 2021-08-28. Review status: criteria provided, single submitter. Criteria: Invitae Variant Classification Sherloc (09022015). Collection method: clinical testing. Allele origin: germline.
Comment: This sequence change replaces glutamine with arginine at codon 212 of the GLA protein (p.Gln212Arg). The glutamine residue is weakly conserved and there is a small physicochemical difference between glutamine and arginine. This variant is not present in population databases (ExAC no frequency). This variant has not been reported in the literature in individuals affected with GLA-related conditions. Algorithms developed to predict the effect of missense changes on protein structure and function (SIFT, PolyPhen-2, Align-GVGD) all suggest that this variant is likely to be tolerated. In summary, the available evidence is currently insufficient to determine the role of this variant in disease. Therefore, it has been classified as a Variant of Uncertain Significance.

Natera, Inc.
Classification: Uncertain significance for Fabry disease. Last evaluated: 2021-10-05. Review status: no assertion criteria provided. Collection method: clinical testing. Allele origin: germline. Not counted in ClinVar's aggregate classification.